The following is an entry in ClinVar:

NM_033305.3(VPS13A):c.85_86del (p.Leu29fs)

Genes: VPS13A (vacuolar protein sorting 13 homolog A; plus strand), VPS13A-AS1 (VPS13A antisense RNA 1; minus strand). Cytogenetic location: 9q21.2.
Variant type: Microsatellite.
Coding change: c.85_86del on transcript NM_033305.3 (MANE Select); coding-DNA positions 85 to 86, 2 bases deleted (CT; older notation c.85_86delCT).
Protein change: p.Leu29fs; shifts the reading frame from leucine 29.
Molecular consequence: frameshift variant. On other transcripts: non-coding transcript variant (1).
Genome position (GRCh38, 1-based): chr9:77,177,789-77,177,790, CT deleted; deleting any 2 consecutive bases within chr9:77,177,783-77,177,790 gives the same sequence; the c. name uses the placement nearest the transcript's 3' end. VCF-style (leftmost placement, unchanged base first): chr9-77177782-GCT-G. GRCh37 (hg19) VCF-style: chr9-79792698-GCT-G.
Other names: c.85_86del, p.Leu29fs (NM_001018037.2, NM_001018038.3, NM_015186.4); short protein forms L29fs.
Identifiers: ClinVar variation 5011256 (VCV005011256.1).

ClinVar aggregate classification (germline): Pathogenic (1 of 4 stars; one submission).

Conditions:
VPS13A-related neurodegenerative disease. Also called: ACANTHOCYTOSIS WITH NEUROLOGIC DISORDER; LEVINE-CRITCHLEY SYNDROME; Choreoacanthocytosis; Chorea-acanthocytosis; Choreaacanthocytosis; VPS13A Disease. Identifiers: Orphanet 2388, MedGen C0393576, MONDO:0008695, OMIM 200150.

Submission:

Myriad Genetics, Inc.
Classification: Pathogenic for VPS13A-related neurodegenerative disease. Last evaluated: 2023-08-07. Review status: criteria provided, single submitter. Criteria: Myriad Autosomal Dominant, Autosomal Recessive and X-Linked Classification Criteria (2023). Collection method: clinical testing. Allele origin: unknown.
Comment: NM_033305.2(VPS13A):c.85_86delCT(L29Gfs*15) is expected to be pathogenic in the context of VPS13A disease. This variant is predicted to lead to an abnormal or absent protein product due to the creation of a premature termination codon in VPS13A, a gene where loss-of-function variants are known to be pathogenic. Please note: this variant was assessed in the context of healthy population screening.